The following is an entry in ClinVar:

ClinVar aggregate classification (germline): Uncertain significance (1 of 4 stars; one submission).

Conditions:
Cornelia de Lange syndrome 1 (CDLS1). Also called: Brachmann de Lange syndrome; NIPBL-Related Cornelia de Lange Syndrome; TYPUS DEGENERATIVUS AMSTELODAMENSIS. Identifiers: Orphanet 199, MedGen C4551851, MONDO:0007387, OMIM 122470.

Submission:

Labcorp Genetics (formerly Invitae), Labcorp
Classification: Uncertain significance for Cornelia de Lange syndrome 1. Last evaluated: 2024-05-06. Review status: criteria provided, single submitter. Criteria: Invitae Variant Classification Sherloc (09022015). Collection method: clinical testing. Allele origin: germline.
Comment: This sequence change replaces glutamine, which is neutral and polar, with lysine, which is basic and polar, at codon 2285 of the NIPBL protein (p.Gln2285Lys). This variant is not present in population databases (gnomAD no frequency). This variant has not been reported in the literature in individuals affected with NIPBL-related conditions. Advanced modeling of protein sequence and biophysical properties (such as structural, functional, and spatial information, amino acid conservation, physicochemical variation, residue mobility, and thermodynamic stability) has been performed at Invitae for this missense variant, however the output from this modeling did not meet the statistical confidence thresholds required to predict the impact of this variant on NIPBL protein function. In summary, the available evidence is currently insufficient to determine the role of this variant in disease. Therefore, it has been classified as a Variant of Uncertain Significance.

NM_133433.4(NIPBL):c.6853C>A (p.Gln2285Lys)

Gene: NIPBL (NIPBL cohesin loading factor; plus strand). Cytogenetic location: 5p13.2.
Variant type: single nucleotide variant.
Coding change: c.6853C>A on transcript NM_133433.4 (MANE Select); coding-DNA position 6853, C replaced by A.
Protein change: p.Gln2285Lys; replaces glutamine 2285 with lysine.
Molecular consequence: missense variant.
Genome position (GRCh38, 1-based): chr5:37,049,200, C>A. VCF-style: chr5-37049200-C-A. GRCh37 (hg19) VCF-style: chr5-37049302-C-A.
Other names: c.6853C>A, p.Gln2285Lys (NM_015384.5); short protein forms Q2285K.
Identifiers: ClinVar variation 3635359 (VCV003635359.2).